The following is an entry in ClinVar:

NM_001009999.3(KDM1A):c.761C>T (p.Thr254Ile)

Gene: KDM1A (lysine demethylase 1A; plus strand). Cytogenetic location: 1p36.12.
Variant type: single nucleotide variant.
Coding change: c.761C>T on transcript NM_001009999.3 (MANE Select); coding-DNA position 761, C replaced by T.
Protein change: p.Thr254Ile; replaces threonine 254 with isoleucine.
Molecular consequence: missense variant.
Genome position (GRCh38, 1-based): chr1:23,053,810, C>T. VCF-style: chr1-23053810-C-T. GRCh37 (hg19) VCF-style: chr1-23380303-C-T.
Other names: c.701C>T, p.Thr234Ile (NM_001363654.2, NM_001410763.1, NM_015013.4); c.761C>T, p.Thr254Ile (NM_001410762.1); short protein forms T234I, T254I.
Identifiers: ClinVar variation 4841917 (VCV004841917.2).

ClinVar aggregate classification (germline): Uncertain significance. Review status: criteria provided, multiple submitters, no conflicts (2 of 4 stars). 2 submissions from 2 submitters: Uncertain significance (2). Last evaluated 2026-01-06.

Conditions:
Inborn genetic diseases. Identifiers: MedGen C0950123, MeSH D030342.

gnomAD v4.1: 2 of 1,607,960 alleles (0.00012%); highest among the groups gnomAD compares: South Asian, 0.0022%; no homozygotes.

Submissions (2):

Ambry Genetics
Classification: Uncertain significance for Inborn genetic diseases. Last evaluated: 2026-01-06. Review status: criteria provided, single submitter. Criteria: Ambry Variant Classification Scheme 2023. Collection method: clinical testing. Allele origin: germline.
Comment: The p.T254I variant (also known as c.761C>T), located in coding exon 5 of the KDM1A gene, results from a C to T substitution at nucleotide position 761. The threonine at codon 254 is replaced by isoleucine, an amino acid with similar properties. This amino acid position is conserved. In addition, the in silico prediction for this alteration is inconclusive. Based on the available evidence, the clinical significance of this variant remains unclear.

Blueprint Genetics
Classification: Uncertain significance. Last evaluated: 2024-03-21. Review status: criteria provided, single submitter. Criteria: ACMG Guidelines, 2015. Collection method: clinical testing. Allele origin: germline.